The following is an entry in ClinVar:

NM_006005.3(WFS1):c.1415C>T (p.Pro472Leu)

Gene: WFS1 (wolframin ER transmembrane glycoprotein; plus strand). Cytogenetic location: 4p16.1.
Variant type: single nucleotide variant.
Coding change: c.1415C>T on transcript NM_006005.3 (MANE Select); coding-DNA position 1415, C replaced by T.
Protein change: p.Pro472Leu; replaces proline 472 with leucine.
Molecular consequence: missense variant.
Genome position (GRCh38, 1-based): chr4:6,301,210, C>T. VCF-style: chr4-6301210-C-T. GRCh37 (hg19) VCF-style: chr4-6302937-C-T.
Other names: c.1415C>T, p.Pro472Leu (NM_001145853.1); short protein forms P472L.
Identifiers: ClinVar variation 2006616 (VCV002006616.4), dbSNP rs2474193773, ClinGen allele CA356174848.
Genomic context (GRCh38, chr4:6,301,210, plus strand): 5'-AGCCCTACACGCGCAGGGCCCTGGCCACCGAGGTCACCGCCGGCCTGCTATCGCTGCTGC[C>T]CTCCATGCCCTTGAATTGGCCCTACCTGAAGGTCCTTGGCCAGACCTTCATCACCGTGCC-3'
Protein context (NP_005996.2, residues 462-482): EVTAGLLSLL[Pro472Leu]SMPLNWPYLK

ClinVar aggregate classification (germline): Uncertain significance (1 of 4 stars; one submission).

gnomAD v4.1: 9 of 1,612,162 alleles (0.00056%); highest among the groups gnomAD compares: Non-Finnish European, 0.00076%; no homozygotes.

Submission:

Labcorp Genetics (formerly Invitae), Labcorp
Classification: Uncertain significance. Last evaluated: 2022-10-17. Review status: criteria provided, single submitter. Criteria: Invitae Variant Classification Sherloc (09022015). Collection method: clinical testing. Allele origin: germline.
Comment: In summary, the available evidence is currently insufficient to determine the role of this variant in disease. Therefore, it has been classified as a Variant of Uncertain Significance. This sequence change replaces proline, which is neutral and non-polar, with leucine, which is neutral and non-polar, at codon 472 of the WFS1 protein (p.Pro472Leu). This variant is not present in population databases (gnomAD no frequency). This variant has not been reported in the literature in individuals affected with WFS1-related conditions. Advanced modeling of protein sequence and biophysical properties (such as structural, functional, and spatial information, amino acid conservation, physicochemical variation, residue mobility, and thermodynamic stability) performed at Invitae indicates that this missense variant is not expected to disrupt WFS1 protein function.